The following is an entry in ClinVar:

ClinVar aggregate classification (germline): Uncertain significance (1 of 4 stars; one submission).

Conditions:
Dilated cardiomyopathy 1J (CMD1J). Also called: CARDIOMYOPATHY, DILATED, WITH SENSORINEURAL HEARING LOSS, AUTOSOMAL DOMINANT. Identifiers: Orphanet 217622, MedGen C1854368, MONDO:0011541, OMIM 605362.

Submission:

Labcorp Genetics (formerly Invitae), Labcorp
Classification: Uncertain significance for Dilated cardiomyopathy 1J. Last evaluated: 2019-11-19. Review status: criteria provided, single submitter. Criteria: Invitae Variant Classification Sherloc (09022015). Collection method: clinical testing. Allele origin: germline.
Comment: This variant has not been reported in the literature in individuals with EYA4-related conditions. In summary, the available evidence is currently insufficient to determine the role of this variant in disease. Therefore, it has been classified as a Variant of Uncertain Significance. Algorithms developed to predict the effect of missense changes on protein structure and function (SIFT, PolyPhen-2, Align-GVGD) all suggest that this variant is likely to be disruptive, but these predictions have not been confirmed by published functional studies and their clinical significance is uncertain. This variant is not present in population databases (ExAC no frequency). This sequence change replaces phenylalanine with serine at codon 414 of the EYA4 protein (p.Phe414Ser). The phenylalanine residue is highly conserved and there is a large physicochemical difference between phenylalanine and serine.

NM_004100.5(EYA4):c.1241T>C (p.Phe414Ser)

Genes: TARID (TCF21 antisense RNA inducing promoter demethylation; minus strand), EYA4 (EYA transcriptional coactivator and phosphatase 4; plus strand), LOC126859796 (MED14-independent group 3 enhancer GRCh37_chr6:133826289-133827488; plus strand). Cytogenetic location: 6q23.2.
Variant type: single nucleotide variant.
Coding change: c.1241T>C on transcript NM_004100.5 (MANE Select); coding-DNA position 1241, T replaced by C.
Protein change: p.Phe414Ser; replaces phenylalanine 414 with serine.
Molecular consequence: missense variant. On other transcripts: non-coding transcript variant (1).
Genome position (GRCh38, 1-based): chr6:133,506,155, T>C. VCF-style: chr6-133506155-T-C. GRCh37 (hg19) VCF-style: chr6-133827293-T-C.
Other names: c.1079T>C, p.Phe360Ser (NM_001301012.2); c.1259T>C, p.Phe420Ser (NM_001301013.2); c.1172T>C, p.Phe391Ser (NM_001370458.1, NM_172103.4); c.1097T>C, p.Phe366Ser (NM_001370459.1); c.1241T>C, p.Phe414Ser (NM_172105.4); short protein forms F414S, F420S, F360S, F391S, F366S.
Identifiers: ClinVar variation 852031 (VCV000852031.10), dbSNP rs1798601379, ClinGen allele CA365713589.